The following is an entry in ClinVar:

ClinVar aggregate classification (germline): Uncertain significance (1 of 4 stars; one submission).

Conditions:
Developmental and epileptic encephalopathy, 31A. Also called: Epileptic encephalopathy, early infantile, 31; Developmental and epileptic encephalopathy, 31. Identifiers: Orphanet 2382, MedGen C4225357, MONDO:0014598, OMIM 616346.

Submission:

Labcorp Genetics (formerly Invitae), Labcorp
Classification: Uncertain significance for Developmental and epileptic encephalopathy, 31A. Last evaluated: 2022-12-02. Review status: criteria provided, single submitter. Criteria: Invitae Variant Classification Sherloc (09022015). Collection method: clinical testing. Allele origin: germline.
Comment: In summary, the available evidence is currently insufficient to determine the role of this variant in disease. Therefore, it has been classified as a Variant of Uncertain Significance. Advanced modeling of protein sequence and biophysical properties (such as structural, functional, and spatial information, amino acid conservation, physicochemical variation, residue mobility, and thermodynamic stability) performed at Invitae indicates that this missense variant is not expected to disrupt DNM1 protein function. This variant has not been reported in the literature in individuals affected with DNM1-related conditions. This variant is not present in population databases (gnomAD no frequency). This sequence change replaces asparagine, which is neutral and polar, with isoleucine, which is neutral and non-polar, at codon 75 of the DNM1 protein (p.Asn75Ile).

NM_004408.4(DNM1):c.224A>T (p.Asn75Ile)

Genes: DNM1 (dynamin 1; plus strand), LOC113839516 (Sharpr-MPRA regulatory region 8497; plus strand). Cytogenetic location: 9q34.11.
Variant type: single nucleotide variant.
Coding change: c.224A>T on transcript NM_004408.4 (MANE Select); coding-DNA position 224, A replaced by T.
Protein change: p.Asn75Ile; replaces asparagine 75 with isoleucine.
Molecular consequence: missense variant.
Genome position (GRCh38, 1-based): chr9:128,218,293, A>T. VCF-style: chr9-128218293-A-T. GRCh37 (hg19) VCF-style: chr9-130980572-A-T.
Other names: c.224A>T, p.Asn75Ile (NM_001005336.3, NM_001288737.2, NM_001288738.2 and 2 more transcripts); short protein forms N75I.
Identifiers: ClinVar variation 2818003 (VCV002818003.3), dbSNP rs551214260, ClinGen allele CA375010296.